The following is an entry in ClinVar:

NM_000222.3(KIT):c.2696+5G>A

Gene: KIT (KIT proto-oncogene, receptor tyrosine kinase; plus strand). Cytogenetic location: 4q12.
Variant type: single nucleotide variant.
Coding change: c.2696+5G>A on transcript NM_000222.3 (MANE Select); 5 bases into the intron after coding-DNA position 2696, G replaced by A.
Molecular consequence: intron variant.
Genome position (GRCh38, 1-based): chr4:54,736,825, G>A. VCF-style: chr4-54736825-G-A. GRCh37 (hg19) VCF-style: chr4-55602991-G-A.
Other names: c.2699+5G>A (NM_001385284.1); c.2696+5G>A (NM_001385290.1, NM_000222.2); c.2687+5G>A (NM_001385288.1); c.2684+5G>A (NM_001385292.1, NM_001093772.2); c.2693+5G>A (NM_001385285.1); c.2681+5G>A (NM_001385286.1).
Identifiers: ClinVar variation 1022164 (VCV001022164.8), dbSNP rs1158754122, ClinGen allele CA551651684.

ClinVar aggregate classification (germline): Uncertain significance. Review status: criteria provided, multiple submitters, no conflicts (2 of 4 stars). 2 submissions from 2 submitters: Uncertain significance (2). Last evaluated 2025-03-14.

Conditions:
Hereditary cancer-predisposing syndrome. Also called: Tumor predisposition; Neoplastic Syndromes, Hereditary; Hereditary neoplastic syndrome; Hereditary Cancer Syndrome. Identifiers: Orphanet 140162, MedGen C0027672, MeSH D009386, MONDO:0015356.
Gastrointestinal stromal tumor. Also called: Gastrointestinal stromal tumor, somatic; Gastrointestinal stroma tumor. Identifiers: Orphanet 44890, MedGen C0238198, MeSH D046152, MONDO:0011719, OMIM 606764, HP:0100723.

Allele frequency attached by ClinVar (database versions not stated): gnomAD exomes below 0.00001.
gnomAD v4.1: 5 of 1,613,362 alleles (0.00031%); highest among the groups gnomAD compares: Non-Finnish European, 0.00042%; no homozygotes.

Submissions (2):

Ambry Genetics
Classification: Uncertain significance for Hereditary cancer-predisposing syndrome. Last evaluated: 2025-03-14. Review status: criteria provided, single submitter. Criteria: Ambry Variant Classification Scheme 2023. Collection method: clinical testing. Allele origin: germline.
Comment: The c.2696+5G>A intronic variant results from a G to A substitution 5 nucleotides after coding exon 19 in the KIT gene. This nucleotide position is highly conserved in available vertebrate species. In silico splice site analysis for this alteration is inconclusive. Based on the available evidence, the clinical significance of this variant remains unclear.

Labcorp Genetics (formerly Invitae), Labcorp
Classification: Uncertain significance for Gastrointestinal stromal tumor. Last evaluated: 2024-11-11. Review status: criteria provided, single submitter. Criteria: Invitae Variant Classification Sherloc (09022015). Collection method: clinical testing. Allele origin: germline.
Comment: This sequence change falls in intron 19 of the KIT gene. It does not directly change the encoded amino acid sequence of the KIT protein. It affects a nucleotide within the consensus splice site. This variant is present in population databases (no rsID available, gnomAD 0.0009%). This variant has not been reported in the literature in individuals affected with KIT-related conditions. ClinVar contains an entry for this variant (Variation ID: 1022164). Variants that disrupt the consensus splice site are a relatively common cause of aberrant splicing (PMID: 17576681, 9536098). Algorithms developed to predict the effect of sequence changes on RNA splicing suggest that this variant may disrupt the consensus splice site. In summary, the available evidence is currently insufficient to determine the role of this variant in disease. Therefore, it has been classified as a Variant of Uncertain Significance.

Literature cited by the submitters: PubMed 17576681 (cited by Labcorp Genetics (formerly Invitae), Labcorp); PubMed 9536098 (cited by Labcorp Genetics (formerly Invitae), Labcorp).